The following is an entry in ClinVar:

NM_000492.4(CFTR):c.3435G>A (p.Trp1145Ter)

Genes: CFTR (CF transmembrane conductance regulator; plus strand), CFTR-AS2 (CFTR antisense RNA 2; minus strand). Cytogenetic location: 7q31.2.
Variant type: single nucleotide variant.
Coding change: c.3435G>A on transcript NM_000492.4 (MANE Select); coding-DNA position 3435, G replaced by A.
Protein change: p.Trp1145Ter; replaces tryptophan 1145 with a stop codon.
Molecular consequence: nonsense.
Genome position (GRCh38, 1-based): chr7:117,614,680, G>A. VCF-style: chr7-117614680-G-A. GRCh37 (hg19) VCF-style: chr7-117254734-G-A.
Other names: short protein forms W1145*.
Identifiers: ClinVar variation 53741 (VCV000053741.12), dbSNP rs397508561, ClinGen allele CA327183.
Genomic context (GRCh38, chr7:117,614,680, plus strand): 5'-AGAAGGAAGAGTTGGTATTATCCTGACTTTAGCCATGAATATCATGAGTACATTGCAGTG[G>A]GCTGTAAACTCCAGCATAGATGTGGATAGCTTGGTAAGTCTTATCATCTTTTTAACTTTT-3'

ClinVar aggregate classification (germline): Pathogenic. Review status: reviewed by expert panel (3 of 4 stars). 5 submissions from 5 submitters: Pathogenic (1). 4 of the submissions do not count toward it. Last evaluated 2017-03-17.

Conditions:
CFTR-related disorder (CFTR-RD). Also called: CFTR-related disorders; CFTR-related condition. Identifiers: MedGen C5924204, MONDO:7770004.
Cystic fibrosis (CF). Also called: MUCOVISCIDOSIS. Identifiers: Orphanet 586, MedGen C0010674, MONDO:0009061, OMIM 219700. Disease mechanism: loss of function.

Submissions (5):

CFTR2
Classification: Pathogenic for Cystic fibrosis. Last evaluated: 2017-03-17. Review status: reviewed by expert panel. Criteria: Sosnay PR et al. (Nat Genet 2013). Collection method: research. Allele origin: germline. Affected: yes. Study: CFTR2.

Natera, Inc.
Classification: Pathogenic for CFTR-related disorders. Last evaluated: 2025-08-05. Review status: criteria provided, single submitter. Criteria: Natera Variant Classification Schema (03/2026). Collection method: clinical testing. Allele origin: germline. Not counted in ClinVar's aggregate classification.
Comment: The c.3435G>A variant in CFTR is a nonsense variant predicted to introduce a stop codon at amino acid 1145. This variant is expected to result in nonsense mediated decay, truncation, or a dysfunctional protein product. This variant is rare in the general population with a frequency below the threshold expected for the associated phenotype(s). This variant has been observed in one or more individuals affected with the associated recessive disease, as either homozygous or compound heterozygous with a second variant (PMID: 11102992, 32732330). Given the available evidence, this variant is classified as Pathogenic.

Women's Health and Genetics/Laboratory Corporation of America, LabCorp
Classification: Pathogenic for Cystic fibrosis. Last evaluated: 2024-10-04. Review status: criteria provided, single submitter. Criteria: LabCorp Variant Classification Summary - May 2015. Collection method: clinical testing. Allele origin: germline. Not counted in ClinVar's aggregate classification.
Comment: Variant summary: CFTR c.3435G>A (p.Trp1145X) results in a premature termination codon, predicted to cause a truncation of the encoded protein or absence of the protein due to nonsense mediated decay, which are commonly known mechanisms for disease. The variant was absent in 251026 control chromosomes. c.3435G>A has been reported in the literature in at least one compound heterozygous individual affected with Cystic Fibrosis (e.g., Seia_2000). To our knowledge, no experimental evidence demonstrating an impact on protein function has been reported. The following publication has been ascertained in the context of this evaluation (PMID: 11102992). ClinVar contains an entry for this variant (Variation ID: 53741). Based on the evidence outlined above, the variant was classified as pathogenic.

ARUP Laboratories, Molecular Genetics and Genomics, ARUP Laboratories
Classification: Pathogenic. Last evaluated: 2020-06-09. Review status: criteria provided, single submitter. Criteria: ARUP Molecular Germline Variant Investigation Process. Collection method: clinical testing. Allele origin: germline. Not counted in ClinVar's aggregate classification.
Comment: The CFTR c.3435G>A; p.Trp1145Ter variant (rs397508561) is reported in the literature in individuals affected with cystic fibrosis (see link to cystic fibrosis mutation database, Mesoraca 2010, Seia 2000). This variant is reported in ClinVar (Variation ID: 53741), and is absent from general population databases (Exome Variant Server, Genome Aggregation Database), indicating it is not a common polymorphism. This variant induces an early termination codon and is predicted to result in a truncated protein or mRNA subject to nonsense-mediated decay. Based on available information, this variant is considered to be pathogenic. References: Link to cystic fibrosis mutation database: Mesoraca A et al. The use of DHPLC (Denaturing High Performance Liquid Chromatography) in II level screening of the CFTR gene in Prenatal Diagnosis. J Prenat Med. 2010;4(3):45-48. Seia M et al. A novel stop mutation in exon 18 (W1145X) of the CFTR (ABCC7) gene in an adult CF patient. Hum Mutat. 2000;16(6):532-533.

ClinVar Staff, National Center for Biotechnology Information (NCBI)
No classification provided. Condition: CFTR-related disorders. Review status: no classification provided. Collection method: literature only. Allele origin: germline. Affected: yes. Not counted in ClinVar's aggregate classification.

Literature cited by the submitters: PubMed 11102992 (cited by 3 submitters); PubMed 32732330 (cited by Natera, Inc.).